The following is an entry in ClinVar:

NM_005045.4(RELN):c.1151G>A (p.Cys384Tyr)

Gene: RELN (reelin; minus strand). Cytogenetic location: 7q22.1.
Variant type: single nucleotide variant.
Coding change: c.1151G>A on transcript NM_005045.4 (MANE Select); coding-DNA position 1151, G replaced by A.
Protein change: p.Cys384Tyr; replaces cysteine 384 with tyrosine.
Molecular consequence: missense variant.
Genome position (GRCh38, 1-based): chr7:103,682,254, C>T on the plus strand (G>A on the coding strand, the complement: RELN is on the minus strand). VCF-style: chr7-103682254-C-T. GRCh37 (hg19) VCF-style: chr7-103322701-C-T.
Other names: c.1151G>A, p.Cys384Tyr (NM_173054.3); short protein forms C384Y.
Identifiers: ClinVar variation 3750604 (VCV003750604.2).

ClinVar aggregate classification (germline): Uncertain significance (1 of 4 stars; one submission).

Conditions:
Familial temporal lobe epilepsy 7. Identifiers: Orphanet 101046, MedGen C4225327, MONDO:0014639, OMIM 616436.
Norman-Roberts syndrome (LIS2). Also called: Lissencephaly 2 (Norman-Roberts type). Identifiers: Orphanet 89844, MedGen C0796089, MONDO:0009760, OMIM 257320.

Submission:

Labcorp Genetics (formerly Invitae), Labcorp
Classification: Uncertain significance for Familial temporal lobe epilepsy 7; Norman-Roberts syndrome. Last evaluated: 2024-03-29. Review status: criteria provided, single submitter. Criteria: Invitae Variant Classification Sherloc (09022015). Collection method: clinical testing. Allele origin: germline.
Comment: This sequence change replaces cysteine, which is neutral and slightly polar, with tyrosine, which is neutral and polar, at codon 384 of the RELN protein (p.Cys384Tyr). This variant is not present in population databases (gnomAD no frequency). This variant has not been reported in the literature in individuals affected with RELN-related conditions. Advanced modeling of protein sequence and biophysical properties (such as structural, functional, and spatial information, amino acid conservation, physicochemical variation, residue mobility, and thermodynamic stability) performed at Invitae indicates that this missense variant is not expected to disrupt RELN protein function with a negative predictive value of 80%. In summary, the available evidence is currently insufficient to determine the role of this variant in disease. Therefore, it has been classified as a Variant of Uncertain Significance.